The following is an entry in ClinVar:

NM_001365951.3(KIF1B):c.1486C>G (p.Arg496Gly)

Gene: KIF1B (kinesin family member 1B; plus strand). Cytogenetic location: 1p36.22.
Variant type: single nucleotide variant.
Coding change: c.1486C>G on transcript NM_001365951.3 (MANE Select); coding-DNA position 1486, C replaced by G.
Protein change: p.Arg496Gly; replaces arginine 496 with glycine.
Molecular consequence: missense variant.
Genome position (GRCh38, 1-based): chr1:10,291,133, C>G. VCF-style: chr1-10291133-C-G. GRCh37 (hg19) VCF-style: chr1-10351191-C-G.
Other names: c.1486C>G, p.Arg496Gly (NM_001365952.1); c.1348C>G, p.Arg450Gly (NM_001365953.1, NM_015074.3, NM_183416.4); short protein forms R496G, R450G.
Identifiers: ClinVar variation 3643658 (VCV003643658.2).

ClinVar aggregate classification (germline): Uncertain significance (1 of 4 stars; one submission).

Conditions:
Charcot-Marie-Tooth disease type 2. Also called: Charcot-Marie-Tooth type 2. Identifiers: Orphanet 64746, MedGen C0270914, MONDO:0018993.

gnomAD v4.1: 2 of 1,612,940 alleles (0.00012%); highest among the groups gnomAD compares: South Asian, 0.0022%; no homozygotes.

Submission:

Labcorp Genetics (formerly Invitae), Labcorp
Classification: Uncertain significance for Charcot-Marie-Tooth disease type 2. Last evaluated: 2024-05-28. Review status: criteria provided, single submitter. Criteria: Invitae Variant Classification Sherloc (09022015). Collection method: clinical testing. Allele origin: germline.
Comment: This sequence change replaces arginine, which is basic and polar, with glycine, which is neutral and non-polar, at codon 450 of the KIF1B protein (p.Arg450Gly). This variant is not present in population databases (gnomAD no frequency). This variant has not been reported in the literature in individuals affected with KIF1B-related conditions. Advanced modeling of protein sequence and biophysical properties (such as structural, functional, and spatial information, amino acid conservation, physicochemical variation, residue mobility, and thermodynamic stability) has been performed at Invitae for this missense variant, however the output from this modeling did not meet the statistical confidence thresholds required to predict the impact of this variant on KIF1B protein function. In summary, the available evidence is currently insufficient to determine the role of this variant in disease. Therefore, it has been classified as a Variant of Uncertain Significance.